The following is an entry in ClinVar:

NM_005619.5(RTN2):c.1034-185C>T

Genes: OPA3-RTN2 (OPA3-RTN2 readthrough; minus strand), RTN2 (reticulon 2; minus strand). Cytogenetic location: 19q13.32.
Variant type: single nucleotide variant.
Coding change: c.1034-185C>T on transcript NM_005619.5 (MANE Select); 185 bases into the intron before coding-DNA position 1034, C replaced by T.
Molecular consequence: intron variant.
Genome position (GRCh38, 1-based): chr19:45,489,738, G>A on the plus strand (C>T on the coding strand, the complement: RTN2 is on the minus strand). VCF-style: chr19-45489738-G-A. GRCh37 (hg19) VCF-style: chr19-45992996-G-A.
Other names: c.815-185C>T (NM_206900.3); c.14-185C>T (NM_206901.3).
Identifiers: ClinVar variation 677523 (VCV000677523.1), dbSNP rs11879660, ClinGen allele CA14690629.
Genomic context (GRCh38, chr19:45,489,738, plus strand): 5'-TTTTTTTTTTTTTTTTTTGAGAGACAGGGTCTCACTCTGTCACCCAGGCTGGAGGCAGTG[G>A]TGCAATCATAGCTCACTGCAGCCTCGATCTCCTGGGCTCAAGTGATCCTCCCACGTCAGC-3'

ClinVar aggregate classification (germline): Benign (1 of 4 stars; one submission).

Allele frequency attached by ClinVar (database versions not stated): gnomAD 0.11689 and 0.11933; TOPMed 0.12484; 1000 Genomes Project 30x 0.15037; 1000 Genomes Project 0.15315.
gnomAD v4.1: 17,703 of 149,492 alleles (12%); highest among the groups gnomAD compares: East Asian, 20%; 1,138 homozygotes.

Submission:

GeneDx
Classification: Benign. Last evaluated: 2018-06-14. Review status: criteria provided, single submitter. Criteria: GeneDx Variant Classification (06012015). Collection method: clinical testing. Allele origin: germline. Affected: yes.
Comment: This variant is considered likely benign or benign based on one or more of the following criteria: it is a conservative change, it occurs at a poorly conserved position in the protein, it is predicted to be benign by multiple in silico algorithms, and/or has population frequency not consistent with disease.